The following is an entry in ClinVar:

ClinVar aggregate classification (germline): Uncertain significance (0 of 4 stars; one submission).

Conditions:
UNC13A-related disorder. Also called: UNC13A-related condition.

gnomAD v4.1: 35 of 1,603,384 alleles (0.0022%); highest among the groups gnomAD compares: Non-Finnish European, 0.0029%; no homozygotes.

Submission:

PreventionGenetics, part of Exact Sciences
Classification: Uncertain significance for UNC13A-related condition. Last evaluated: 2024-07-07. Review status: no assertion criteria provided. Collection method: clinical testing. Allele origin: germline.
Comment: The UNC13A c.1602C>G variant is predicted to result in the amino acid substitution p.Asn534Lys. To our knowledge, this variant has not been reported in the literature. This variant is reported in 0.0056% of alleles in individuals of European (Non-Finnish) descent in gnomAD. At this time, the clinical significance of this variant is uncertain due to the absence of conclusive functional and genetic evidence.

NM_001080421.3(UNC13A):c.1602C>G (p.Asn534Lys)

Gene: UNC13A (unc-13 homolog A; minus strand). Cytogenetic location: 19p13.11.
Variant type: single nucleotide variant.
Coding change: c.1602C>G on transcript NM_001080421.3 (MANE Select); coding-DNA position 1602, C replaced by G.
Protein change: p.Asn534Lys; replaces asparagine 534 with lysine.
Molecular consequence: missense variant.
Genome position (GRCh38, 1-based): chr19:17,648,645, G>C on the plus strand (C>G on the coding strand, the complement: UNC13A is on the minus strand). VCF-style: chr19-17648645-G-C. GRCh37 (hg19) VCF-style: chr19-17759454-G-C.
Other names: c.1596C>G, p.Asn532Lys (NM_001387021.1, NM_001387022.1, NM_001387023.1); short protein forms N532K, N534K.
Identifiers: ClinVar variation 3347225 (VCV003347225.1).
Genomic context (GRCh38, chr19:17,648,645, plus strand): 5'-GTGTGGCGTCGTGCACGAGATGGGGTAGATTAAGGCTTGCAGGGTCTTCTTGTAAACGTG[G>C]TTTTTCTGCAGGGAGGGATGGGGTGCGGTTTGGGGGCGCCTAACCTGGCGCTGTCCCTGT-3'
Protein context (NP_001073890.2, residues 524-544): SSTLNNEELK[Asn534Lys]HVYKKTLQAL